The following is an entry in ClinVar:

NM_000264.5(PTCH1):c.2985del (p.Thr996fs)

Gene: PTCH1 (patched 1; minus strand). Cytogenetic location: 9q22.32.
Variant type: Deletion.
Coding change: c.2985del on transcript NM_000264.5 (MANE Select); coding-DNA position 2985, one base deleted (G; older notation c.2985delG).
Protein change: p.Thr996fs; shifts the reading frame from threonine 996.
Molecular consequence: frameshift variant. On other transcripts: non-coding transcript variant (1).
Genome position (GRCh38, 1-based): chr9:95,458,196, C deleted on the plus strand (G on the coding strand, the reverse complement: PTCH1 is on the minus strand); the first of 2 consecutive C bases (chr9:95,458,196-95,458,197); deleting either gives the same sequence. VCF-style (leftmost placement, unchanged base first): chr9-95458195-TC-T. GRCh37 (hg19) VCF-style: chr9-98220477-TC-T.
Other names: c.2787del, p.Thr930fs (NM_001083602.3); c.2982del, p.Thr995fs (NM_001083603.3); c.2532del, p.Thr845fs (NM_001083604.3, NM_001083605.3, NM_001083606.3 and 1 more transcripts); c.2829del, p.Thr944fs (NM_001354918.2); c.2985delG (NM_000264.5); short protein forms T845fs, T930fs, T944fs, T995fs, T996fs.
Identifiers: ClinVar variation 3895981 (VCV003895981.1).

ClinVar aggregate classification (germline): Pathogenic (1 of 4 stars; one submission).

Conditions:
Gorlin syndrome. Also called: Basal cell nevus syndrome; Nevoid Basal Cell Carcinoma Syndrome. Identifiers: Orphanet 377, MedGen C0004779, MONDO:0007187.

Submission:

Women's Health and Genetics/Laboratory Corporation of America, LabCorp
Classification: Pathogenic for Gorlin syndrome. Last evaluated: 2025-03-31. Review status: criteria provided, single submitter. Criteria: LabCorp Variant Classification Summary - May 2015. Collection method: clinical testing. Allele origin: germline.
Comment: Variant summary: PTCH1 c.2985delG (p.Thr996ProfsX53) results in a premature termination codon, predicted to cause a truncation of the encoded protein or absence of the protein due to nonsense mediated decay, which are commonly known mechanisms for disease. The variant was absent in 251408 control chromosomes. To our knowledge, no experimental evidence demonstrating an impact on protein function has been reported. No submitters have cited clinical-significance assessments for this variant to ClinVar. Based on the evidence outlined above, the variant was classified as pathogenic.